The following is an entry in ClinVar:

ClinVar aggregate classification (germline): Likely benign (1 of 4 stars; one submission).

gnomAD v4.1: 7,309 of 1,533,410 alleles (0.48%); highest among the groups gnomAD compares: Non-Finnish European, 0.47%; 45 homozygotes.

Submission:

CeGaT Center for Human Genetics Tuebingen
Classification: Likely benign. Last evaluated: 2026-07-01. Review status: criteria provided, single submitter. Criteria: CeGaT Center For Human Genetics Tuebingen Variant Classification Criteria Version 2. Collection method: clinical testing. Allele origin: germline. Affected: yes. Observed: 5 variant alleles.
Comment: CEP295: BS2

NM_033395.2(CEP295):c.625-16T>C

Gene: CEP295 (centrosomal protein 295; plus strand). Cytogenetic location: 11q21.
Variant type: single nucleotide variant.
Coding change: c.625-16T>C on transcript NM_033395.2 (MANE Select); 16 bases into the intron before coding-DNA position 625, T replaced by C.
Molecular consequence: intron variant.
Genome position (GRCh38, 1-based): chr11:93,679,396, T>C. VCF-style: chr11-93679396-T-C. GRCh37 (hg19) VCF-style: chr11-93412562-T-C.
Identifiers: ClinVar variation 3770499 (VCV003770499.13).